The following is an entry in ClinVar:

ClinVar aggregate classification (germline): Likely benign. Review status: criteria provided, multiple submitters, no conflicts (2 of 4 stars). 5 submissions from 5 submitters: Likely benign (5). Last evaluated 2026-04-01.

Conditions:
Dyskeratosis congenita. Identifiers: Orphanet 1775, MedGen C0265965, MONDO:0015780.
Idiopathic Pulmonary Fibrosis. Also called: Idiopathic fibrosing alveolitis, chronic form; idiopathic fibrosing alveolitis. Identifiers: Orphanet 2032, MedGen C1800706, MeSH D054990, MONDO:0800504.
Dyskeratosis congenita, autosomal dominant 2. Identifiers: MedGen C3151443, MONDO:0013521, OMIM 613989.

Allele frequency attached by ClinVar (database versions not stated): gnomAD 0.00004 and 0.00005; gnomAD exomes 0.00006; TOPMed 0.00006; ExAC 0.00009; 1000 Genomes Project 30x 0.00016; 1000 Genomes Project 0.00020.
gnomAD v4.1: 123 of 1,612,524 alleles (0.0076%); highest among the groups gnomAD compares: East Asian, 0.033%; 1 homozygote.

Submissions (5):

CeGaT Center for Human Genetics Tuebingen
Classification: Likely benign. Last evaluated: 2026-04-01. Review status: criteria provided, single submitter. Criteria: CeGaT Center For Human Genetics Tuebingen Variant Classification Criteria Version 2. Collection method: clinical testing. Allele origin: germline. Affected: yes. Observed: 1 variant allele.
Comment: TERT: BP4, BP7

Labcorp Genetics (formerly Invitae), Labcorp
Classification: Likely benign for Dyskeratosis congenita, autosomal dominant 2; Idiopathic Pulmonary Fibrosis. Last evaluated: 2026-01-26. Review status: criteria provided, single submitter. Criteria: Invitae Variant Classification Sherloc (09022015). Collection method: clinical testing. Allele origin: germline.

Blueprint Genetics
Classification: Likely benign. Last evaluated: 2023-10-23. Review status: criteria provided, single submitter. Criteria: ACMG Guidelines, 2015. Collection method: clinical testing. Allele origin: germline.

Ambry Genetics
Classification: Likely benign for Dyskeratosis congenita. Last evaluated: 2022-03-01. Review status: criteria provided, single submitter. Criteria: Ambry Variant Classification Scheme 2023. Collection method: clinical testing. Allele origin: germline.

Genetic Services Laboratory, University of Chicago
Classification: Likely benign. Last evaluated: 2020-10-01. Review status: criteria provided, single submitter. Criteria: ACMG Guidelines, 2015. Collection method: clinical testing. Allele origin: germline. Affected: no.

NM_198253.3(TERT):c.2313G>A (p.Pro771=)

Gene: TERT (telomerase reverse transcriptase; minus strand). Cytogenetic location: 5p15.33.
Variant type: single nucleotide variant.
Coding change: c.2313G>A on transcript NM_198253.3 (MANE Select); coding-DNA position 2313, G replaced by A.
Protein change: p.Pro771=; no amino-acid change (proline 771 retained).
Molecular consequence: synonymous variant.
Genome position (GRCh38, 1-based): chr5:1,272,254, C>T on the plus strand (G>A on the coding strand, the complement: TERT is on the minus strand). VCF-style: chr5-1272254-C-T. GRCh37 (hg19) VCF-style: chr5-1272369-C-T.
Other names: c.2313G>A, p.Pro771= (NM_001193376.3).
Identifiers: ClinVar variation 539255 (VCV000539255.21), dbSNP rs199770141, ClinGen allele CA3184571.